The following is an entry in ClinVar:

NM_147127.5(EVC2):c.1471-236G>A

Gene: EVC2 (EvC ciliary complex subunit 2; minus strand). Cytogenetic location: 4p16.2.
Variant type: single nucleotide variant.
Coding change: c.1471-236G>A on transcript NM_147127.5 (MANE Select); 236 bases into the intron before coding-DNA position 1471, G replaced by A.
Molecular consequence: intron variant.
Genome position (GRCh38, 1-based): chr4:5,632,268, C>T on the plus strand (G>A on the coding strand, the complement: EVC2 is on the minus strand). VCF-style: chr4-5632268-C-T. GRCh37 (hg19) VCF-style: chr4-5633995-C-T.
Other names: c.1231-236G>A (NM_001166136.2).
Identifiers: ClinVar variation 669999 (VCV000669999.1), dbSNP rs7674131, ClinGen allele CA11744136.

ClinVar aggregate classification (germline): Benign (1 of 4 stars; one submission).

Allele frequency attached by ClinVar (database versions not stated): gnomAD 0.45511 and 0.46211; TOPMed 0.48014; 1000 Genomes Project 0.52356; 1000 Genomes Project 30x 0.53139.
gnomAD v4.1: 68,966 of 152,152 alleles (45%); highest among the groups gnomAD compares: African/African-American, 78%; 19,160 homozygotes.

Submission:

GeneDx
Classification: Benign. Last evaluated: 2018-06-14. Review status: criteria provided, single submitter. Criteria: GeneDx Variant Classification (06012015). Collection method: clinical testing. Allele origin: germline. Affected: yes.
Comment: This variant is considered likely benign or benign based on one or more of the following criteria: it is a conservative change, it occurs at a poorly conserved position in the protein, it is predicted to be benign by multiple in silico algorithms, and/or has population frequency not consistent with disease.